The following is an entry in ClinVar:

ClinVar aggregate classification (germline): Uncertain significance (1 of 4 stars; one submission).

Submission:

Labcorp Genetics (formerly Invitae), Labcorp
Classification: Uncertain significance. Last evaluated: 2022-07-14. Review status: criteria provided, single submitter. Criteria: Invitae Variant Classification Sherloc (09022015). Collection method: clinical testing. Allele origin: germline.
Comment: This sequence change creates a premature translational stop signal (p.Glu275Leufs*29) in the GNPTG gene. While this is not anticipated to result in nonsense mediated decay, it is expected to disrupt the last 31 amino acid(s) of the GNPTG protein. This variant is not present in population databases (gnomAD no frequency). This variant has not been reported in the literature in individuals affected with GNPTG-related conditions. ClinVar contains an entry for this variant (Variation ID: 1509995). Experimental studies and prediction algorithms are not available or were not evaluated, and the functional significance of this variant is currently unknown. In summary, the available evidence is currently insufficient to determine the role of this variant in disease. Therefore, it has been classified as a Variant of Uncertain Significance.

NM_032520.5(GNPTG):c.806_821dup (p.Glu275fs)

Gene: GNPTG (N-acetylglucosamine-1-phosphate transferase subunit gamma; plus strand). Cytogenetic location: 16p13.3.
Variant type: Duplication.
Coding change: c.806_821dup on transcript NM_032520.5 (MANE Select); coding-DNA positions 806 to 821, 16 bases duplicated (CCTACACGAGGCCCAC).
Protein change: p.Glu275fs; shifts the reading frame from glutamic acid 275.
Molecular consequence: frameshift variant.
Genome position (GRCh38, 1-based): chr16:1,362,889-1,362,904, CCTACACGAGGCCCAC duplicated; duplicating any 16 consecutive bases within chr16:1,362,888-1,362,904 gives the same sequence; the c. name uses the placement nearest the transcript's 3' end. VCF-style (leftmost placement, unchanged base first): chr16-1362887-C-CCCCTACACGAGGCCCA. GRCh37 (hg19) VCF-style: chr16-1412888-C-CCCCTACACGAGGCCCA.
Other names: short protein forms E275fs.
Identifiers: ClinVar variation 1509995 (VCV001509995.5), dbSNP rs2034945789, ClinGen allele CA2201615456.